The following is an entry in ClinVar:

NM_000424.4(KRT5):c.987C>G (p.Asn329Lys)

Gene: KRT5 (keratin 5; minus strand). Cytogenetic location: 12q13.13.
Variant type: single nucleotide variant.
Coding change: c.987C>G on transcript NM_000424.4 (MANE Select); coding-DNA position 987, C replaced by G.
Protein change: p.Asn329Lys; replaces asparagine 329 with lysine.
Molecular consequence: missense variant.
Genome position (GRCh38, 1-based): chr12:52,517,695, G>C on the plus strand (C>G on the coding strand, the complement: KRT5 is on the minus strand). VCF-style: chr12-52517695-G-C. GRCh37 (hg19) VCF-style: chr12-52911479-G-C.
Other names: short protein forms N329K.
Identifiers: ClinVar variation 4801299 (VCV004801299.1).

ClinVar aggregate classification (germline): Pathogenic (1 of 4 stars; one submission).

Submission:

Labcorp Genetics (formerly Invitae), Labcorp
Classification: Pathogenic. Last evaluated: 2025-08-26. Review status: criteria provided, single submitter. Criteria: Invitae Variant Classification Sherloc (09022015). Collection method: clinical testing. Allele origin: germline.
Comment: This sequence change replaces asparagine, which is neutral and polar, with lysine, which is basic and polar, at codon 329 of the KRT5 protein (p.Asn329Lys). This variant is not present in population databases (gnomAD no frequency). This missense change has been observed in individual(s) with autosomal dominant epidermolysis bullosa simplex (PMID: 7520042, 21375516). It has also been observed to segregate with disease in related individuals. Invitae Evidence Modeling of protein sequence and biophysical properties (such as structural, functional, and spatial information, amino acid conservation, physicochemical variation, residue mobility, and thermodynamic stability) has been performed for this missense variant. However, the output from this modeling did not meet the statistical confidence thresholds required to predict the impact of this variant on KRT5 protein function. Experimental studies have shown that this missense change affects KRT5 function (PMID: 7520042). This variant disrupts the p.Asn329 amino acid residue in KRT5. Other variant(s) that disrupt this residue have been determined to be pathogenic (PMID: 17039244; internal data). This suggests that this residue is clinically significant, and that variants that disrupt this residue are likely to be disease-causing. For these reasons, this variant has been classified as Pathogenic.

Literature cited by the submitters: PubMed 7520042; PubMed 21375516; PubMed 17039244.